The following is an entry in ClinVar:

NM_001164508.2(NEB):c.8584G>T (p.Val2862Phe)

Gene: NEB (nebulin; minus strand). Cytogenetic location: 2q23.3.
Variant type: single nucleotide variant.
Coding change: c.8584G>T on transcript NM_001164508.2 (MANE Select); coding-DNA position 8584, G replaced by T.
Protein change: p.Val2862Phe; replaces valine 2862 with phenylalanine.
Molecular consequence: missense variant.
Genome position (GRCh38, 1-based): chr2:151,640,456, C>A on the plus strand (G>T on the coding strand, the complement: NEB is on the minus strand). VCF-style: chr2-151640456-C-A. GRCh37 (hg19) VCF-style: chr2-152496970-C-A.
Other names: c.8584G>T, p.Val2862Phe (NM_001164507.2, NM_001271208.2, NM_004543.5); c.8584G>T (NM_004543.4); short protein forms V2862F.
Identifiers: ClinVar variation 1431600 (VCV001431600.12), dbSNP rs949616238, ClinGen allele CA348810031.

ClinVar aggregate classification (germline): Uncertain significance. Review status: criteria provided, multiple submitters, no conflicts (2 of 4 stars). 3 submissions from 3 submitters: Uncertain significance (3). Last evaluated 2025-01-29.

Conditions:
Inborn genetic diseases. Identifiers: MedGen C0950123, MeSH D030342.
Nemaline myopathy 2 (NEM2). Also called: Nemaline myopathy 2, autosomal recessive. Identifiers: MedGen C1850569, MONDO:0009725, OMIM 256030.

Submissions (3):

Revvity Omics, Revvity
Classification: Uncertain significance. Last evaluated: 2025-01-29. Review status: criteria provided, single submitter. Criteria: ACMG Guidelines, 2015. Collection method: clinical testing. Allele origin: germline.

Ambry Genetics
Classification: Uncertain significance for Inborn genetic diseases. Last evaluated: 2023-02-16. Review status: criteria provided, single submitter. Criteria: Ambry Variant Classification Scheme 2023. Collection method: clinical testing. Allele origin: germline.

Labcorp Genetics (formerly Invitae), Labcorp
Classification: Uncertain significance for Nemaline myopathy 2. Last evaluated: 2022-06-20. Review status: criteria provided, single submitter. Criteria: Invitae Variant Classification Sherloc (09022015). Collection method: clinical testing. Allele origin: germline.
Comment: Algorithms developed to predict the effect of missense changes on protein structure and function are either unavailable or do not agree on the potential impact of this missense change (SIFT: "Deleterious"; PolyPhen-2: "Not Available"; Align-GVGD: "Class C0"). In summary, the available evidence is currently insufficient to determine the role of this variant in disease. Therefore, it has been classified as a Variant of Uncertain Significance. This variant has not been reported in the literature in individuals affected with NEB-related conditions. This variant is not present in population databases (gnomAD no frequency). This sequence change replaces valine, which is neutral and non-polar, with phenylalanine, which is neutral and non-polar, at codon 2862 of the NEB protein (p.Val2862Phe).